The following is an entry in ClinVar:

NM_001009944.3(PKD1):c.6952del (p.Arg2318fs)

Gene: PKD1 (polycystin 1, transient receptor potential channel interacting; minus strand). Cytogenetic location: 16p13.3.
Variant type: Deletion.
Coding change: c.6952del on transcript NM_001009944.3 (MANE Select); coding-DNA position 6952, one base deleted (C; older notation c.6952delC).
Protein change: p.Arg2318fs; shifts the reading frame from arginine 2318.
Molecular consequence: frameshift variant.
Genome position (GRCh38, 1-based): chr16:2,107,996, G deleted on the plus strand (C on the coding strand, the reverse complement: PKD1 is on the minus strand); the first of 4 consecutive G bases (chr16:2,107,996-2,107,999); deleting any one gives the same sequence. VCF-style (leftmost placement, unchanged base first): chr16-2107995-CG-C. GRCh37 (hg19) VCF-style: chr16-2157996-CG-C.
Other names: c.6952del, p.Arg2318fs (NM_000296.4); short protein forms R2318fs.
Identifiers: ClinVar variation 4294479 (VCV004294479.1).

ClinVar aggregate classification (germline): Likely pathogenic (1 of 4 stars; one submission).

Conditions:
Polycystic kidney disease, adult type (PKD1). Also called: POLYCYSTIC KIDNEY DISEASE 1 WITH OR WITHOUT POLYCYSTIC LIVER DISEASE; POLYCYSTIC KIDNEY DISEASE, ADULT, TYPE I; Polycystic Kidney, Autosomal Dominant; Polycystic Kidney Disease 1, Autosomal Dominant; Polycystic kidney disease 1; Polycystic kidney disease 1, severe. Identifiers: MedGen C3149841, MONDO:0008263, OMIM 173900.

Submission:

Molecular Genetics Department, Kulakov National Medical Research Center for Obstetrics, Gynecology and Perinatology
Classification: Likely pathogenic for Polycystic kidney disease, adult type. Review status: criteria provided, single submitter. Criteria: ACMG Guidelines, 2015. Collection method: clinical testing. Allele origin: germline. Affected: yes. Observed: 1 variant allele.
Comment: A previously undescribed heterozygous nucleotide variant creates a frameshift p.Arg2318AlafsTer23 in the PKD1 gene. Heterozygous variants are reported in patients with polycystic kidney disease 1, 173900. The variant is not present in population database (gnomAD no frequency). In summary, the currently available evidence indicates that the variant is pathogenic, but additional data are needed to prove that conclusively. Therefore, this variant has been classified as likely pathogenic.